The following is an entry in ClinVar:

NM_020702.5(MYORG):c.1154T>A (p.Phe385Tyr)

Gene: MYORG (myogenesis regulating glycosidase; minus strand). Cytogenetic location: 9p13.3.
Variant type: single nucleotide variant.
Coding change: c.1154T>A on transcript NM_020702.5 (MANE Select); coding-DNA position 1154, T replaced by A.
Protein change: p.Phe385Tyr; replaces phenylalanine 385 with tyrosine.
Molecular consequence: missense variant.
Genome position (GRCh38, 1-based): chr9:34,371,790, A>T on the plus strand (T>A on the coding strand, the complement: MYORG is on the minus strand). VCF-style: chr9-34371790-A-T. GRCh37 (hg19) VCF-style: chr9-34371788-A-T.
Other names: short protein forms F385Y.
Identifiers: ClinVar variation 1168036 (VCV001168036.16), dbSNP rs7852399, ClinGen allele CA5032980.
Genomic context (GRCh38, chr9:34,371,790, plus strand): 5'-CCCTCGCCGAAGCGCGACGAGTTGTAGTTGACAAAAGGGTGCACCCAGAGCGTGACGCGG[A>T]AGCCGGCGTCGCGCAGGCGGCGGAACATGTCGCTGGCGTTGGGGAATTTGACCTCATCGA-3'
Protein context (NP_065753.2, residues 375-395): DMFRRLRDAG[Phe385Tyr]RVTLWVHPFV

ClinVar aggregate classification (germline): Benign. Review status: criteria provided, multiple submitters, no conflicts (2 of 4 stars). 5 submissions from 5 submitters: Benign (4). 1 of the submissions does not count toward it. Last evaluated 2026-02-01.

Conditions:
Basal ganglia calcification, idiopathic, 7, autosomal recessive. Also called: PRIMARY FAMILIAL BRAIN CALCIFICATION 7, AUTOSOMAL RECESSIVE. Identifiers: MedGen C5193025, MONDO:0032673, OMIM 618317.
MYORG-related disorder. Also called: MYORG-related condition.

Allele frequency attached by ClinVar (database versions not stated): ESP Exome Variant Server 0.20222; TOPMed 0.24155; 1000 Genomes Project 30x 0.32370; 1000 Genomes Project 0.32568; gnomAD 0.22664 and 0.23186; ExAC 0.23358; gnomAD exomes 0.23507.

Submissions (5):

Labcorp Genetics (formerly Invitae), Labcorp
Classification: Benign. Last evaluated: 2026-02-01. Review status: criteria provided, single submitter. Criteria: Invitae Variant Classification Sherloc (09022015). Collection method: clinical testing. Allele origin: germline.

Genome-Nilou Lab
Classification: Benign for Basal ganglia calcification, idiopathic, 7, autosomal recessive. Last evaluated: 2021-08-19. Review status: criteria provided, single submitter. Criteria: ACMG Guidelines, 2015. Collection method: clinical testing. Allele origin: germline. Affected: no.

GeneDx
Classification: Benign. Last evaluated: 2021-05-04. Review status: criteria provided, single submitter. Criteria: GeneDx Variant Classification Process June 2021. Collection method: clinical testing. Allele origin: germline. Affected: yes.

Breakthrough Genomics
Classification: Benign. Review status: criteria provided, single submitter. Criteria: ACMG Guidelines, 2015. Collection method: not provided. Allele origin: germline. Inheritance: Autosomal recessive inheritance. Affected: yes.

PreventionGenetics, part of Exact Sciences
Classification: Benign for MYORG-related condition. Last evaluated: 2019-10-21. Review status: no assertion criteria provided. Collection method: clinical testing. Allele origin: germline. Not counted in ClinVar's aggregate classification.
Comment: This variant is classified as benign based on ACMG/AMP sequence variant interpretation guidelines (Richards et al. 2015 PMID: 25741868, with internal and published modifications).